The following is an entry in ClinVar:

NM_152618.3(BBS12):c.1348G>A (p.Gly450Arg)

Gene: BBS12 (Bardet-Biedl syndrome 12; plus strand). Cytogenetic location: 4q27.
Variant type: single nucleotide variant.
Coding change: c.1348G>A on transcript NM_152618.3 (MANE Select); coding-DNA position 1348, G replaced by A.
Protein change: p.Gly450Arg; replaces glycine 450 with arginine.
Molecular consequence: missense variant.
Genome position (GRCh38, 1-based): chr4:122,743,240, G>A. VCF-style: chr4-122743240-G-A. GRCh37 (hg19) VCF-style: chr4-123664395-G-A.
Other names: c.1348G>A, p.Gly450Arg (NM_001178007.2); short protein forms G450R.
Identifiers: ClinVar variation 941568 (VCV000941568.6), dbSNP rs1487383886, ClinGen allele CA358224926.

ClinVar aggregate classification (germline): Uncertain significance. Review status: criteria provided, multiple submitters, no conflicts (2 of 4 stars). 5 submissions from 5 submitters: Uncertain significance (4). 1 of the submissions does not count toward it. Last evaluated 2024-11-03.

Conditions:
Bardet-Biedl syndrome 12 (BBS12). Identifiers: Orphanet 110, MedGen C1859570, MONDO:0014440, OMIM 615989.
BBS12-related disorder. Also called: BBS12-related condition.
Bardet-Biedl syndrome (BBS). Identifiers: Orphanet 110, MedGen C0752166, MONDO:0015229.

Allele frequency attached by ClinVar (database versions not stated): TOPMed 0.00001; gnomAD 0.00003 and 0.00004.
gnomAD v4.1: 6 of 1,614,110 alleles (0.00037%); highest among the groups gnomAD compares: African/African-American, 0.0053%; no homozygotes.

Submissions (5):

PreventionGenetics, part of Exact Sciences
Classification: Uncertain significance for BBS12-related condition. Last evaluated: 2024-11-03. Review status: criteria provided, single submitter. Criteria: ACMG Guidelines, 2015. Collection method: clinical testing. Allele origin: germline.
Comment: The BBS12 c.1348G>A variant is predicted to result in the amino acid substitution p.Gly450Arg. To our knowledge, this variant has not been reported in the literature. This variant is reported in 0.12% of alleles in individuals of Latino descent in gnomAD. At this time, the clinical significance of this variant is uncertain due to the absence of conclusive functional and genetic evidence.

Labcorp Genetics (formerly Invitae), Labcorp
Classification: Uncertain significance for Bardet-Biedl syndrome. Last evaluated: 2022-06-09. Review status: criteria provided, single submitter. Criteria: Invitae Variant Classification Sherloc (09022015). Collection method: clinical testing. Allele origin: germline.
Comment: This sequence change replaces glycine, which is neutral and non-polar, with arginine, which is basic and polar, at codon 450 of the BBS12 protein (p.Gly450Arg). This variant is present in population databases (no rsID available, gnomAD 0.1%). This variant has not been reported in the literature in individuals affected with BBS12-related conditions. ClinVar contains an entry for this variant (Variation ID: 941568). Algorithms developed to predict the effect of missense changes on protein structure and function output the following: SIFT: "Tolerated"; PolyPhen-2: "Possibly Damaging"; Align-GVGD: "Class C0". The arginine amino acid residue is found in multiple mammalian species, which suggests that this missense change does not adversely affect protein function. In summary, the available evidence is currently insufficient to determine the role of this variant in disease. Therefore, it has been classified as a Variant of Uncertain Significance.

Fulgent Genetics
Classification: Uncertain significance for Bardet-Biedl syndrome 12. Last evaluated: 2022-04-22. Review status: criteria provided, single submitter. Criteria: ACMG Guidelines, 2015. Collection method: clinical testing. Allele origin: unknown.

Breakthrough Genomics
Classification: Uncertain significance. Review status: criteria provided, single submitter. Criteria: ACMG Guidelines, 2015. Collection method: not provided. Allele origin: germline. Inheritance: Autosomal recessive inheritance. Affected: yes.

Natera, Inc.
Classification: Uncertain significance for Bardet-Biedl syndrome type 12. Last evaluated: 2020-06-18. Review status: no assertion criteria provided. Collection method: clinical testing. Allele origin: germline. Not counted in ClinVar's aggregate classification.